The following is an entry in ClinVar:

NM_006904.7(PRKDC):c.4007C>A (p.Thr1336Asn)

Gene: PRKDC (protein kinase, DNA-activated, catalytic subunit; minus strand). Cytogenetic location: 8q11.21.
Variant type: single nucleotide variant.
Coding change: c.4007C>A on transcript NM_006904.7 (MANE Select); coding-DNA position 4007, C replaced by A.
Protein change: p.Thr1336Asn; replaces threonine 1336 with asparagine.
Molecular consequence: missense variant.
Genome position (GRCh38, 1-based): chr8:47,890,321, G>T on the plus strand (C>A on the coding strand, the complement: PRKDC is on the minus strand). VCF-style: chr8-47890321-G-T. GRCh37 (hg19) VCF-style: chr8-48802882-G-T.
Other names: c.4007C>A, p.Thr1336Asn (NM_001081640.2); short protein forms T1336N.
Identifiers: ClinVar variation 3310083 (VCV003310083.1).

ClinVar aggregate classification (germline): Uncertain significance (1 of 4 stars; one submission).

Submission:

Ambry Genetics
Classification: Uncertain significance. Last evaluated: 2024-03-19. Review status: criteria provided, single submitter. Criteria: Ambry Variant Classification Scheme 2023. Collection method: clinical testing. Allele origin: germline.
Comment: The p.T1336N variant (also known as c.4007C>A), located in coding exon 32 of the PRKDC gene, results from a C to A substitution at nucleotide position 4007. The threonine at codon 1336 is replaced by asparagine, an amino acid with similar properties. This amino acid position is conserved. Based on the available evidence, the clinical significance of this alteration remains unclear.